The following is an entry in ClinVar:

NM_000277.3(PAH):c.1030G>A (p.Gly344Ser)

Gene: PAH (phenylalanine hydroxylase; minus strand). Cytogenetic location: 12q23.2.
Variant type: single nucleotide variant.
Coding change: c.1030G>A on transcript NM_000277.3 (MANE Select); coding-DNA position 1030, G replaced by A.
Protein change: p.Gly344Ser; replaces glycine 344 with serine.
Molecular consequence: missense variant.
Genome position (GRCh38, 1-based): chr12:102,844,371, C>T on the plus strand (G>A on the coding strand, the complement: PAH is on the minus strand). VCF-style: chr12-102844371-C-T. GRCh37 (hg19) VCF-style: chr12-103238149-C-T.
Other names: c.1030G>A, p.Gly344Ser (NM_001354304.2); short protein forms G344S.
Identifiers: ClinVar variation 102479 (VCV000102479.10), dbSNP rs62508679, ClinGen allele CA229285.

ClinVar aggregate classification (germline): Likely pathogenic. Review status: reviewed by expert panel (3 of 4 stars). 3 submissions from 3 submitters: Likely pathogenic (1). 2 of the submissions do not count toward it. Last evaluated 2021-06-11.

Conditions:
Phenylketonuria (PKU). Also called: Phenylketonuria (PKU); FOLLING DISEASE; OLIGOPHRENIA PHENYLPYRUVICA; Phenylketonurias. Identifiers: Orphanet 716, MedGen C0031485, MONDO:0009861, OMIM 261600. Disease mechanism: loss of function.

Submissions (3):

ClinGen PAH Variant Curation Expert Panel
Classification: Likely pathogenic for Phenylketonuria. Last evaluated: 2021-06-11. Review status: reviewed by expert panel. Criteria: ClinGen PAH ACMG Specifications v1. Collection method: curation. Allele origin: germline. Inheritance: Autosomal recessive inheritance.
Comment: The c.1030G>A (p.Gly344Ser) variant in PAH has been reported in multiple individuals with PKU and mild PKU (BH4 deficiency excluded). (PMID: 26503515, 29390883, 9634518). This variant is absent in population databases. This variant was detected in trans with pathogenic variant p.Q419R (PMID: 26600521). Other missense changes at the same amino acid residue have been seen before (p.Gly344Asp, p.Gly344Arg, p.Gly344Val are Likely pathogenic by PAH VCEP). Multiple lines of computational evidence support a deleterious effect. In summary, this variant meets criteria to be classified as likely pathogenic for PAH. PAH-specific ACMG/AMP criteria applied: PP4_Moderate, PM2, PM3, PP3.

Labcorp Genetics (formerly Invitae), Labcorp
Classification: Likely pathogenic for Phenylketonuria. Last evaluated: 2020-04-07. Review status: criteria provided, single submitter. Criteria: Invitae Variant Classification Sherloc (09022015). Collection method: clinical testing. Allele origin: germline. Not counted in ClinVar's aggregate classification.
Comment: This variant has been observed in individual(s) with phenylketonuria (PMID: 26600521, 17502162). In at least one individual the data is consistent with the variant being in trans (on the opposite chromosome) from a pathogenic variant. ClinVar contains an entry for this variant (Variation ID: 102479). This variant is not present in population databases (ExAC no frequency). This sequence change replaces glycine with serine at codon 344 of the PAH protein (p.Gly344Ser). The glycine residue is highly conserved and there is a small physicochemical difference between glycine and serine. In summary, the currently available evidence indicates that the variant is pathogenic, but additional data are needed to prove that conclusively. Therefore, this variant has been classified as Likely Pathogenic. This variant disrupts the p.Gly344 amino acid residue in PAH. Other variant(s) that disrupt this residue have been observed in individuals with PAH-related conditions (PMID: 10679941, 18985011), which suggests that this may be a clinically significant amino acid residue. Algorithms developed to predict the effect of missense changes on protein structure and function are either unavailable or do not agree on the potential impact of this missense change (SIFT: "Not Available"; PolyPhen-2: "Probably Damaging"; Align-GVGD: "Not Available").

DeBelle Laboratory for Biochemical Genetics, MUHC/MCH RESEARCH INSTITUTE
No classification provided. Review status: no classification provided. Collection method: not provided. Allele origin: not provided. Not counted in ClinVar's aggregate classification.

Literature cited by the submitters: PubMed 26600521 (cited by ClinGen PAH Variant Curation Expert Panel and Labcorp Genetics (formerly Invitae), Labcorp); PubMed 29390883 (cited by ClinGen PAH Variant Curation Expert Panel); PubMed 9634518 (cited by ClinGen PAH Variant Curation Expert Panel); PubMed 26503515 (cited by ClinGen PAH Variant Curation Expert Panel); PubMed 17502162 (cited by Labcorp Genetics (formerly Invitae), Labcorp); PubMed 10679941 (cited by Labcorp Genetics (formerly Invitae), Labcorp); PubMed 18985011 (cited by Labcorp Genetics (formerly Invitae), Labcorp).